The following is an entry in ClinVar:

ClinVar aggregate classification (germline): Uncertain significance (1 of 4 stars; one submission).

Conditions:
Hereditary cancer-predisposing syndrome. Also called: Neoplastic Syndromes, Hereditary; Tumor predisposition; Hereditary Cancer Syndrome; Hereditary neoplastic syndrome. Identifiers: Orphanet 140162, MedGen C0027672, MeSH D009386, MONDO:0015356.

Submission:

Molecular Diagnostics Laboratory, Catalan Institute of Oncology
Classification: Uncertain significance for Hereditary cancer-predisposing syndrome. Last evaluated: 2024-10-16. Review status: criteria provided, single submitter. Criteria: MMR VCEP Paper Draft V3.1. Collection method: clinical testing. Allele origin: germline.
Comment: PM2_Supporting, PP3 c.3802-14_3802-4del, located in intron 8 of the MSH6 gene, consists in the deletion of 11 nucleotides located close to a canonical splice site. It is not present in the population database gnomAD v2.1.1, non-cancer dataset (PM2_supporting). The SpliceAI algorithm predicts the loss of a splice acceptor site (deltascore: 0.99) (PP3). To our knowledge, neither relevant clinical data nor well-established functional studies have been reported for this variant. This variant has not been reported in ClinVar, LOVD or InSiGHT databases. Based on currently available information, the variant c.3802-14_3802-4del should be considered an uncertain significance variant.

NM_000179.3(MSH6):c.3802-14_3802-4del

Gene: MSH6 (mutS homolog 6; plus strand). Cytogenetic location: 2p16.3.
Variant type: Deletion.
Coding change: c.3802-14_3802-4del on transcript NM_000179.3 (MANE Select); 14 bases into the intron before coding-DNA position 3802 through 4 bases into the intron before coding-DNA position 3802, 11 bases deleted (TTTTCTTTCTT).
Molecular consequence: intron variant.
Genome position (GRCh38, 1-based): chr2:47,806,438-47,806,448, TTTTCTTTCTT deleted; deleting any 11 consecutive bases within chr2:47,806,437-47,806,448 gives the same sequence; the c. name uses the placement nearest the transcript's 3' end. VCF-style (leftmost placement, unchanged base first): chr2-47806436-ATTTTTCTTTCT-A. GRCh37 (hg19) VCF-style: chr2-48033575-ATTTTTCTTTCT-A.
Other names: c.3802-14_3802-4del (NM_001406809.1, NM_001406796.1, NM_001406808.1); c.2896-14_2896-4del (NM_001406811.1, NM_001406814.1, NM_001281493.2 and 6 more transcripts); c.3505-14_3505-4del (NM_001406805.1, NM_001406797.1, NM_001406801.1 and 10 more transcripts); c.3898-14_3898-4del (NM_001406795.1); c.3897+80_3897+90del (NM_001406802.1); c.3808-14_3808-4del (NM_001406813.1); c.3277-14_3277-4del (NM_001406807.1, NM_001406799.1, NM_001406806.1); c.3802-27_3802-17del (NM_001406800.1); and 9 more.
Identifiers: ClinVar variation 3893668 (VCV003893668.1).